The following is an entry in ClinVar:

NM_024596.5(MCPH1):c.2282C>T (p.Ala761Val)

Genes: MCPH1-AS1 (MCPH1 antisense RNA 1; minus strand), MCPH1 (microcephalin 1; plus strand). Cytogenetic location: 8p23.1.
Variant type: single nucleotide variant.
Coding change: c.2282C>T on transcript NM_024596.5 (MANE Select); coding-DNA position 2282, C replaced by T.
Protein change: p.Ala761Val; replaces alanine 761 with valine.
Molecular consequence: missense variant. On other transcripts: non-coding transcript variant (1).
Genome position (GRCh38, 1-based): chr8:6,621,521, C>T. VCF-style: chr8-6621521-C-T. GRCh37 (hg19) VCF-style: chr8-6479042-C-T.
Other names: c.2282C>T, p.Ala761Val (NM_001322042.2, NM_001363979.1); c.2003C>T, p.Ala668Val (NM_001363980.2); short protein forms A761V, A668V.
Identifiers: ClinVar variation 21702 (VCV000021702.32), dbSNP rs1057090, ClinGen allele CA172521.

ClinVar aggregate classification (germline): Benign/Likely benign. Review status: criteria provided, multiple submitters, no conflicts (2 of 4 stars). 14 submissions from 14 submitters: Benign (10); Likely benign (1). 3 of the submissions do not count toward it. Last evaluated 2026-04-27.

Conditions:
Microcephaly 1, primary, autosomal recessive (MCPH1). Also called: PREMATURE CHROMOSOME CONDENSATION SYNDROME; PCC SYNDROME; PREMATURE CHROMOSOME CONDENSATION WITH MICROCEPHALY AND MENTAL RETARDATION. Identifiers: Orphanet 2512, MedGen C1855081, MONDO:0009617, OMIM 251200.

Allele frequency attached by ClinVar (database versions not stated): TOPMed 0.43283; gnomAD 0.44044; 1000 Genomes Project 30x 0.47611; ESP Exome Variant Server 0.40983; 1000 Genomes Project 0.48203.
gnomAD v4.1: 675,289 of 1,613,234 alleles (42%); highest among the groups gnomAD compares: East Asian, 68%; 143,781 homozygotes.

Submissions (14):

Women's Health and Genetics/Laboratory Corporation of America, LabCorp
Classification: Likely benign. Last evaluated: 2026-04-27. Review status: criteria provided, single submitter. Criteria: LabCorp Variant Classification Summary - May 2015. Collection method: clinical testing. Allele origin: germline.

Labcorp Genetics (formerly Invitae), Labcorp
Classification: Benign. Last evaluated: 2026-02-04. Review status: criteria provided, single submitter. Criteria: Invitae Variant Classification Sherloc (09022015). Collection method: clinical testing. Allele origin: germline.

Blueprint Genetics
Classification: Benign. Last evaluated: 2024-11-27. Review status: criteria provided, single submitter. Criteria: ACMG Guidelines, 2015. Collection method: clinical testing. Allele origin: germline.

Genome-Nilou Lab
Classification: Benign for Microcephaly 1, primary, autosomal recessive. Last evaluated: 2021-09-05. Review status: criteria provided, single submitter. Criteria: ACMG Guidelines, 2015. Collection method: clinical testing. Allele origin: germline. Affected: no.

Illumina Laboratory Services, Illumina
Classification: Benign for Microcephaly 1, primary, autosomal recessive. Last evaluated: 2018-03-06. Review status: criteria provided, single submitter. Criteria: ICSL Variant Classification Criteria 13 December 2019. Collection method: clinical testing. Allele origin: germline.
Comment: This variant was observed in the ICSL laboratory as part of a predisposition screen in an ostensibly healthy population. It had not been previously curated by ICSL or reported in the Human Gene Mutation Database (HGMD: prior to June 1st, 2018), and was therefore a candidate for classification through an automated scoring system. Utilizing variant allele frequency, disease prevalence and penetrance estimates, and inheritance mode, an automated score was calculated to assess if this variant is too frequent to cause the disease. Based on the score and internal cut-off values, a variant classified as benign is not then subjected to further curation. The score for this variant resulted in a classification of benign for this disease.

Athena Diagnostics
Classification: Benign. Last evaluated: 2017-08-02. Review status: criteria provided, single submitter. Criteria: Athena Diagnostics Criteria. Collection method: clinical testing. Allele origin: germline.

Clinical Genetics DNA and cytogenetics Diagnostics Lab, Erasmus MC, Erasmus Medical Center
Classification: Benign for Microcephaly 1, primary, autosomal recessive. Last evaluated: 2015-09-21. Review status: criteria provided, single submitter. Criteria: ACGS Guidelines, 2013. Collection method: clinical testing. Allele origin: germline. Affected: yes. Study: VKGL Data-share Consensus.

GeneDx
Classification: Benign. Last evaluated: 2015-03-03. Review status: criteria provided, single submitter. Criteria: GeneDx Variant Classification Process June 2021. Collection method: clinical testing. Allele origin: germline. Affected: yes.
Comment: This variant is associated with the following publications: (PMID: 18204051)

Eurofins Ntd Llc (ga)
Classification: Benign. Last evaluated: 2014-04-10. Review status: criteria provided, single submitter. Criteria: EGL Classification Definitions 2015. Collection method: clinical testing. Allele origin: germline. Observed: 3 variant alleles, 2 heterozygotes, 1 homozygote.

Genetic Services Laboratory, University of Chicago
Classification: Benign. Last evaluated: 2013-02-08. Review status: criteria provided, single submitter. Criteria: ACMG Guidelines, 2007. Collection method: clinical testing. Allele origin: germline. Inheritance: Autosomal recessive inheritance.

Breakthrough Genomics
Classification: Benign. Review status: criteria provided, single submitter. Criteria: ACMG Guidelines, 2015. Collection method: not provided. Allele origin: germline. Inheritance: Autosomal recessive inheritance. Affected: yes.

Diagnostic Laboratory, Department of Genetics, University Medical Center Groningen
Classification: Benign for Microcephaly 1, primary, autosomal recessive. Review status: no assertion criteria provided. Collection method: clinical testing. Allele origin: germline. Affected: yes. Study: VKGL Data-share Consensus. Not counted in ClinVar's aggregate classification.

GeneReviews
No classification provided. Condition: Microcephaly 1, primary, autosomal recessive. Review status: no classification provided. Collection method: literature only. Allele origin: unknown. Not counted in ClinVar's aggregate classification.

Joint Genome Diagnostic Labs from Nijmegen and Maastricht, Radboudumc and MUMC+
Classification: Benign. Review status: no assertion criteria provided. Collection method: clinical testing. Allele origin: germline. Affected: yes. Study: VKGL Data-share Consensus. Not counted in ClinVar's aggregate classification.

Literature cited by the submitters: PubMed 20301772 (cited by GeneReviews); NCBI Bookshelf NBK9587 (cited by GeneReviews).